The following is an entry in ClinVar:

NM_019023.5(PRMT7):c.1448C>A (p.Thr483Asn)

Gene: PRMT7 (protein arginine methyltransferase 7; plus strand). Cytogenetic location: 16q22.1.
Variant type: single nucleotide variant.
Coding change: c.1448C>A on transcript NM_019023.5 (MANE Select); coding-DNA position 1448, C replaced by A.
Protein change: p.Thr483Asn; replaces threonine 483 with asparagine.
Molecular consequence: missense variant. On other transcripts: non-coding transcript variant (12).
Genome position (GRCh38, 1-based): chr16:68,352,282, C>A. VCF-style: chr16-68352282-C-A. GRCh37 (hg19) VCF-style: chr16-68386185-C-A.
Other names: c.1298C>A, p.Thr433Asn (NM_001184824.4); c.1448C>A, p.Thr483Asn (NM_001290018.2, NM_001351143.3, NM_001351144.3 and 1 more transcripts); c.1241C>A, p.Thr414Asn (NM_001378020.1); c.1211C>A, p.Thr404Asn (NM_001378021.1, NM_001378022.1, NM_001378023.1); short protein forms T404N, T414N, T433N, T483N.
Identifiers: ClinVar variation 4808814 (VCV004808814.1).

ClinVar aggregate classification (germline): Uncertain significance (1 of 4 stars; one submission).

gnomAD v4.1: 1 of 1,613,820 alleles (0.000062%); highest among the groups gnomAD compares: Non-Finnish European, 0.000085%; no homozygotes.

Submission:

Labcorp Genetics (formerly Invitae), Labcorp
Classification: Uncertain significance. Last evaluated: 2026-01-12. Review status: criteria provided, single submitter. Criteria: Invitae Variant Classification Sherloc (09022015). Collection method: clinical testing. Allele origin: germline.
Comment: This sequence change replaces threonine, which is neutral and polar, with asparagine, which is neutral and polar, at codon 483 of the PRMT7 protein (p.Thr483Asn). This variant is not present in population databases (gnomAD no frequency). This variant has not been reported in the literature in individuals affected with PRMT7-related conditions. Invitae Evidence Modeling of protein sequence and biophysical properties (such as structural, functional, and spatial information, amino acid conservation, physicochemical variation, residue mobility, and thermodynamic stability) indicates that this missense variant is not expected to disrupt PRMT7 protein function with a negative predictive value of 80%. In summary, the available evidence is currently insufficient to determine the role of this variant in disease. Therefore, it has been classified as a Variant of Uncertain Significance.